The following is an entry in ClinVar:

ClinVar aggregate classification (germline): Uncertain significance (1 of 4 stars; one submission).

Allele frequency attached by ClinVar (database versions not stated): gnomAD exomes below 0.00001.
gnomAD v4.1: 2 of 1,592,440 alleles (0.00013%); highest among the groups gnomAD compares: Middle Eastern, 0.017%; no homozygotes.

Submission:

Labcorp Genetics (formerly Invitae), Labcorp
Classification: Uncertain significance. Last evaluated: 2023-03-20. Review status: criteria provided, single submitter. Criteria: Invitae Variant Classification Sherloc (09022015). Collection method: clinical testing. Allele origin: germline.
Comment: Algorithms developed to predict the effect of missense changes on protein structure and function output the following: SIFT: "Not Available"; PolyPhen-2: "Benign"; Align-GVGD: "Not Available". The alanine amino acid residue is found in multiple mammalian species, which suggests that this missense change does not adversely affect protein function. In summary, the available evidence is currently insufficient to determine the role of this variant in disease. Therefore, it has been classified as a Variant of Uncertain Significance. This variant has not been reported in the literature in individuals affected with NIN-related conditions. This variant is not present in population databases (gnomAD no frequency). This sequence change replaces threonine, which is neutral and polar, with alanine, which is neutral and non-polar, at codon 811 of the NIN protein (p.Thr811Ala).

NM_020921.4(NIN):c.2431A>G (p.Thr811Ala)

Gene: NIN (ninein; minus strand). Cytogenetic location: 14q22.1.
Variant type: single nucleotide variant.
Coding change: c.2431A>G on transcript NM_020921.4 (MANE Select); coding-DNA position 2431, A replaced by G.
Protein change: p.Thr811Ala; replaces threonine 811 with alanine.
Molecular consequence: missense variant. On other transcripts: intron variant (1).
Genome position (GRCh38, 1-based): chr14:50,758,599, T>C on the plus strand (A>G on the coding strand, the complement: NIN is on the minus strand). VCF-style: chr14-50758599-T-C. GRCh37 (hg19) VCF-style: chr14-51225317-T-C.
Other names: c.2431A>G, p.Thr811Ala (NM_182944.3, NM_182946.2); c.2399+1258A>G (NM_016350.5); short protein forms T811A.
Identifiers: ClinVar variation 2815368 (VCV002815368.3), dbSNP rs2505855021, ClinGen allele CA389701291.